The following is an entry in ClinVar:

ClinVar aggregate classification (germline): Uncertain significance (1 of 4 stars; one submission).

Conditions:
Autosomal dominant nonsyndromic hearing loss 12. Also called: DEAFNESS, AUTOSOMAL DOMINANT 8. Identifiers: Orphanet 90635, MedGen C1832187, MONDO:0011102, OMIM 601543.

Submission:

Victorian Clinical Genetics Services, Murdoch Childrens Research Institute
Classification: Uncertain significance for Autosomal dominant nonsyndromic hearing loss 12. Last evaluated: 2024-10-10. Review status: criteria provided, single submitter. Criteria: ACMG Guidelines, 2015. Collection method: clinical testing. Allele origin: germline. Affected: yes.
Comment: Based on the classification scheme VCGS_Germline_v1.3.3, this variant is classified as 3C-VUS. Following criteria are met: 0102 - Loss of function is a known mechanism of disease in this gene and is associated with deafness. Recessive variants that cause a premature termination codon result in a loss of function, whereas some dominant missense variants have also been suggested to act in a dominant negative mechanism. (I) 0108 - This gene is associated with both recessive and dominant disease. Dominant deafness is usually caused by missense variants, whereas recessive deafness is generally a result of truncating variants, however exceptions do exist (OMIM). (I) 0200 - Variant is predicted to result in a missense amino acid change from lysine to asparagine. (I) 0251 - This variant is heterozygous. (I) 0304 - Variant is present in gnomAD (v2) <0.01 (1 heterozygote, 0 homozygotes). (SP) 0309 - Alternative amino acid changes at the same position have been observed in gnomAD (v2) (1 heterozygote, 0 homozygotes). (I) 0503 - Missense variant consistently predicted to be tolerated by multiple in silico tools or not conserved in placental mammals with a minor amino acid change. (SB) 0600 - Variant is located in the annotated C8 functional domain (NCBI, PDB). (I) 0709 - Another missense variant comparable to the one identified in this case has limited previous evidence for being benign. An alternative change to glutamine at the same residue has previously been classified as likely benign (Deafness Variation Database). (SB) 0806 - This variant has limited previous evidence of being benign in unrelated individuals. The variant has previously been classified as likely benign (Deafness Variation Database). (SB) 0905 - No published segregation evidence has been identified for this variant. (I) 1007 - No published functional evidence has been identified for this variant. (I) 1208 - Inheritance information for this variant is not currently available in this individual. (I) Legend: (SP) - Supporting pathogenic, (I) - Information, (SB) - Supporting benign

NM_005422.4(TECTA):c.5178G>T (p.Lys1726Asn)

Genes: TECTA (tectorin alpha; plus strand), TBCEL-TECTA (TBCEL-TECTA readthrough; plus strand). Cytogenetic location: 11q23.3.
Variant type: single nucleotide variant.
Coding change: c.5178G>T on transcript NM_005422.4 (MANE Select); coding-DNA position 5178, G replaced by T.
Protein change: p.Lys1726Asn; replaces lysine 1726 with asparagine.
Molecular consequence: missense variant.
Genome position (GRCh38, 1-based): chr11:121,162,276, G>T. VCF-style: chr11-121162276-G-T. GRCh37 (hg19) VCF-style: chr11-121032985-G-T.
Other names: c.6120G>T, p.Lys2040Asn (NM_001378761.1); short protein forms K1726N, K2040N.
Identifiers: ClinVar variation 3377364 (VCV003377364.1).
Genomic context (GRCh38, chr11:121,162,276, plus strand): 5'-GCTTCTCGATCCCCTCCCATTCTACGAGTCCTGCTACCTGGACGGCTGCTACAGCCACAA[G>T]AAGTTCCAGCTGTGCGGCTCCCTGGCCGCCTACGGGGAGGCCTGCCGCTCCTTCGGGATC-3'
Protein context (NP_005413.2, residues 1716-1736): SCYLDGCYSH[Lys1726Asn]KFQLCGSLAA